The following is an entry in ClinVar:

ClinVar aggregate classification (germline): Uncertain significance. Review status: criteria provided, multiple submitters, no conflicts (2 of 4 stars). 3 submissions from 3 submitters: Uncertain significance (2). 1 of the submissions does not count toward it. Last evaluated 2025-04-19.

Conditions:
ADCY3-related disorder. Also called: ADCY3-related condition.

gnomAD v4.1: 21 of 1,589,580 alleles (0.0013%); highest among the groups gnomAD compares: Middle Eastern, 0.017%; no homozygotes.

Submissions (3):

Labcorp Genetics (formerly Invitae), Labcorp
Classification: Uncertain significance. Last evaluated: 2025-04-19. Review status: criteria provided, single submitter. Criteria: Invitae Variant Classification Sherloc (09022015). Collection method: clinical testing. Allele origin: germline.
Comment: This sequence change replaces proline, which is neutral and non-polar, with arginine, which is basic and polar, at codon 825 of the ADCY3 protein (p.Pro825Arg). This variant is not present in population databases (gnomAD no frequency). This variant has not been reported in the literature in individuals affected with ADCY3-related conditions. ClinVar contains an entry for this variant (Variation ID: 3351788). An algorithm developed to predict the effect of missense changes on protein structure and function (PolyPhen-2) suggests that this variant is likely to be tolerated. In summary, the available evidence is currently insufficient to determine the role of this variant in disease. Therefore, it has been classified as a Variant of Uncertain Significance.

Blueprint Genetics
Classification: Uncertain significance. Last evaluated: 2021-11-04. Review status: criteria provided, single submitter. Criteria: ACMG Guidelines, 2015. Collection method: clinical testing. Allele origin: germline.

PreventionGenetics, part of Exact Sciences
Classification: Uncertain significance for ADCY3-related condition. Last evaluated: 2024-02-23. Review status: no assertion criteria provided. Collection method: clinical testing. Allele origin: germline. Not counted in ClinVar's aggregate classification.
Comment: The ADCY3 c.2474C>G variant is predicted to result in the amino acid substitution p.Pro825Arg. To our knowledge, this variant has not been reported in the literature or in a large population database, indicating this variant is rare. At this time, the clinical significance of this variant is uncertain due to the absence of conclusive functional and genetic evidence.

NM_004036.5(ADCY3):c.2474C>G (p.Pro825Arg)

Gene: ADCY3 (adenylate cyclase 3; minus strand). Cytogenetic location: 2p23.3.
Variant type: single nucleotide variant.
Coding change: c.2474C>G on transcript NM_004036.5 (MANE Select); coding-DNA position 2474, C replaced by G.
Protein change: p.Pro825Arg; replaces proline 825 with arginine.
Molecular consequence: missense variant. On other transcripts: intron variant (1).
Genome position (GRCh38, 1-based): chr2:24,827,567, G>C on the plus strand (C>G on the coding strand, the complement: ADCY3 is on the minus strand). VCF-style: chr2-24827567-G-C. GRCh37 (hg19) VCF-style: chr2-25050436-G-C.
Other names: c.2474C>G, p.Pro825Arg (NM_001320613.2, NM_001377132.1); c.2540C>G, p.Pro847Arg (NM_001377128.1); c.2336C>G, p.Pro779Arg (NM_001377129.1); c.1751C>G, p.Pro584Arg (NM_001377131.1); c.2173-3031C>G (NM_001377130.1); short protein forms P584R, P779R, P825R, P847R.
Identifiers: ClinVar variation 3351788 (VCV003351788.3).
Genomic context (GRCh38, chr2:24,827,567, plus strand): 5'-CTGTGAGTGCAGGCCAGGAGGGGAAGCCGTGGCCCTTACCTGTCAGTGCCATTGAGCCCA[G>C]GGTTGAATCCTTGCATCTGCTCTAAGGCCACCATAGGTAAGCTGTTGGACAGATAACAGC-3'
Protein context (NP_004027.2, residues 815-835): VALEQMQGFN[Pro825Arg]GLNGTDRLPL